The following is an entry in ClinVar:

ClinVar aggregate classification (germline): Likely benign. Review status: criteria provided, multiple submitters, no conflicts (2 of 4 stars). 4 submissions from 4 submitters: Likely benign (4). Last evaluated 2025-01-08.

Conditions:
Cardiovascular phenotype. Identifiers: MedGen CN230736.
Catecholaminergic polymorphic ventricular tachycardia (CVPT). Also called: Catecholamine-induced polymorphic ventricular tachycardia. Identifiers: Orphanet 3286, MedGen C5574922, MONDO:0017990.
Cardiomyopathy (CMYO). Also called: Cardiomyopathies. Identifiers: Orphanet 167848, MedGen C0878544, MONDO:0004994, HP:0001638. Inheritance: Various modes of inheritance.
Catecholaminergic polymorphic ventricular tachycardia 1. Also called: VENTRICULAR TACHYCARDIA, CATECHOLAMINERGIC POLYMORPHIC, 1, WITH OR WITHOUT ATRIAL DYSFUNCTION AND/OR DILATED CARDIOMYOPATHY; RYR2-Related Catecholaminergic Polymorphic Ventricular Tachycardia; VENTRICULAR TACHYCARDIA, STRESS-INDUCED POLYMORPHIC 1. Identifiers: Orphanet 3286, MedGen C1631597, MONDO:0011484, OMIM 604772.

Allele frequency attached by ClinVar (database versions not stated): gnomAD 0.00001; gnomAD exomes 0.00001; TOPMed 0.00001.
gnomAD v4.1: 12 of 1,613,808 alleles (0.00074%); highest among the groups gnomAD compares: East Asian, 0.0022%; no homozygotes.

Submissions (4):

Labcorp Genetics (formerly Invitae), Labcorp
Classification: Likely benign for Catecholaminergic polymorphic ventricular tachycardia 1. Last evaluated: 2025-01-08. Review status: criteria provided, single submitter. Criteria: Invitae Variant Classification Sherloc (09022015). Collection method: clinical testing. Allele origin: germline.

All of Us Research Program, National Institutes of Health
Classification: Likely benign for Catecholaminergic polymorphic ventricular tachycardia. Last evaluated: 2023-12-01. Review status: criteria provided, single submitter. Criteria: ACMG Guidelines, 2015. Collection method: clinical testing. Allele origin: germline. Inheritance: Autosomal dominant inheritance. Observed: 1 variant allele, 1 heterozygote.
Comment: This study involves interpretation of variants in research participants for the purpose of population health screening. Participant phenotype was not available at the time of variant classification. Additional details can be found in publication PMID: 35346344, PMCID: PMC8962531

Ambry Genetics
Classification: Likely benign for Cardiovascular phenotype. Last evaluated: 2019-11-06. Review status: criteria provided, single submitter. Criteria: Ambry Variant Classification Scheme 2023. Collection method: clinical testing. Allele origin: germline.

Color Diagnostics, LLC DBA Color Health
Classification: Likely benign for Cardiomyopathy. Last evaluated: 2018-10-30. Review status: criteria provided, single submitter. Criteria: ACMG Guidelines, 2015. Collection method: clinical testing. Allele origin: germline.

NM_001035.3(RYR2):c.12435C>T (p.Ile4145=)

Genes: RYR2 (ryanodine receptor 2; plus strand), LOC126806068 (BRD4-independent group 4 enhancer GRCh37_chr1:237947411-237948610; plus strand). Cytogenetic location: 1q43.
Variant type: single nucleotide variant.
Coding change: c.12435C>T on transcript NM_001035.3 (MANE Select); coding-DNA position 12435, C replaced by T.
Protein change: p.Ile4145=; no amino-acid change (isoleucine 4145 retained).
Molecular consequence: synonymous variant.
Genome position (GRCh38, 1-based): chr1:237,784,147, C>T. VCF-style: chr1-237784147-C-T. GRCh37 (hg19) VCF-style: chr1-237947447-C-T.
Other names: c.12435C>T (NM_001035.2).
Identifiers: ClinVar variation 920547 (VCV000920547.15), dbSNP rs954641240, ClinGen allele CA39827635.